The following is an entry in ClinVar:

NM_001042424.3(NSD2):c.3495C>T (p.Ala1165=)

Gene: NSD2 (nuclear receptor binding SET domain protein 2; plus strand). Cytogenetic location: 4p16.3.
Variant type: single nucleotide variant.
Coding change: c.3495C>T on transcript NM_001042424.3 (MANE Select); coding-DNA position 3495, C replaced by T.
Protein change: p.Ala1165=; no amino-acid change (alanine 1165 retained).
Molecular consequence: synonymous variant.
Genome position (GRCh38, 1-based): chr4:1,974,985, C>T. VCF-style: chr4-1974985-C-T. GRCh37 (hg19) VCF-style: chr4-1976712-C-T.
Other names: c.3495C>T, p.Ala1165= (NM_133330.3, NM_133331.3, NM_133335.4); c.3495C>T (NM_001042424.2).
Identifiers: ClinVar variation 348446 (VCV000348446.15), dbSNP rs73069117, ClinGen allele CA2812782.

ClinVar aggregate classification (germline): Benign. Review status: criteria provided, multiple submitters, no conflicts (2 of 4 stars). 3 submissions from 3 submitters: Benign (2). 1 of the submissions does not count toward it. Last evaluated 2026-01-19.

Conditions:
NSD2-related disorder. Also called: NSD2-related condition; NSD2 related disorders.

Allele frequency attached by ClinVar (database versions not stated): gnomAD exomes 0.00289 and 0.00694; ExAC 0.00896; gnomAD 0.02798 and 0.02980; 1000 Genomes Project 0.03235; TOPMed 0.03252; ESP Exome Variant Server 0.03329; 1000 Genomes Project 30x 0.03389.
gnomAD v4.1: 8,685 of 1,614,068 alleles (0.54%); highest among the groups gnomAD compares: African/African-American, 9.8%; 377 homozygotes.

Submissions (3):

Labcorp Genetics (formerly Invitae), Labcorp
Classification: Benign. Last evaluated: 2026-01-19. Review status: criteria provided, single submitter. Criteria: Invitae Variant Classification Sherloc (09022015). Collection method: clinical testing. Allele origin: germline.

Breakthrough Genomics
Classification: Benign. Review status: criteria provided, single submitter. Criteria: ACMG Guidelines, 2015. Collection method: not provided. Allele origin: germline. Inheritance: Autosomal dominant inheritance. Affected: yes.

PreventionGenetics, part of Exact Sciences
Classification: Likely benign for NSD2-related condition. Last evaluated: 2020-01-02. Review status: no assertion criteria provided. Collection method: clinical testing. Allele origin: germline. Not counted in ClinVar's aggregate classification.
Comment: This variant is classified as likely benign based on ACMG/AMP sequence variant interpretation guidelines (Richards et al. 2015 PMID: 25741868, with internal and published modifications).